The following is an entry in ClinVar:

ClinVar aggregate classification (germline): Pathogenic (1 of 4 stars; one submission).

Submission:

Labcorp Genetics (formerly Invitae), Labcorp
Classification: Pathogenic. Last evaluated: 2023-07-24. Review status: criteria provided, single submitter. Criteria: Invitae Variant Classification Sherloc (09022015). Collection method: clinical testing. Allele origin: germline.
Comment: This sequence change creates a premature translational stop signal (p.Val187Aspfs*11) in the OSTM1 gene. It is expected to result in an absent or disrupted protein product. Loss-of-function variants in OSTM1 are known to be pathogenic (PMID: 12627228, 15108279, 16813530). This variant is not present in population databases (gnomAD no frequency). This variant has not been reported in the literature in individuals affected with OSTM1-related conditions. For these reasons, this variant has been classified as Pathogenic.

Literature cited by the submitters: PubMed 12627228; PubMed 15108279; PubMed 16813530.

NM_014028.4(OSTM1):c.560del (p.Val187fs)

Gene: OSTM1 (osteoclastogenesis associated transmembrane protein 1; minus strand). Cytogenetic location: 6q21.
Variant type: Deletion.
Coding change: c.560del on transcript NM_014028.4 (MANE Select); coding-DNA position 560, one base deleted (T; older notation c.560delT).
Protein change: p.Val187fs; shifts the reading frame from valine 187.
Molecular consequence: frameshift variant.
Genome position (GRCh38, 1-based): chr6:108,054,545, A deleted on the plus strand (T on the coding strand, the reverse complement: OSTM1 is on the minus strand). VCF-style (leftmost placement, unchanged base first): chr6-108054544-TA-T. GRCh37 (hg19) VCF-style: chr6-108375748-TA-T.
Other names: short protein forms V187fs.
Identifiers: ClinVar variation 2746162 (VCV002746162.3), dbSNP rs2482181938, ClinGen allele CA2697553630.